The following is an entry in ClinVar:

NM_000257.4(MYH7):c.5326A>G (p.Ser1776Gly)

Gene: MYH7 (myosin heavy chain 7; minus strand). Cytogenetic location: 14q11.2.
Variant type: single nucleotide variant.
Coding change: c.5326A>G on transcript NM_000257.4 (MANE Select); coding-DNA position 5326, A replaced by G.
Protein change: p.Ser1776Gly; replaces serine 1776 with glycine.
Molecular consequence: missense variant.
Genome position (GRCh38, 1-based): chr14:23,415,228, T>C on the plus strand (A>G on the coding strand, the complement: MYH7 is on the minus strand). VCF-style: chr14-23415228-T-C. GRCh37 (hg19) VCF-style: chr14-23884437-T-C.
Other names: NM_000257.3(MYH7):c.5326A>G; short protein forms S1776G.
Identifiers: ClinVar variation 177629 (VCV000177629.56), dbSNP rs369437262, ClinGen allele CA015944.

ClinVar aggregate classification (germline): Uncertain significance. Review status: reviewed by expert panel (3 of 4 stars). 22 submissions from 21 submitters: Uncertain significance (1). 21 of the submissions do not count toward it. Last evaluated 2016-12-15.

Conditions:
MYH7-related disorder. Also called: MYH7-related disorders; MYH7-related condition; MYH7-related disease.
Cardiovascular phenotype. Identifiers: MedGen CN230736.
Myopathy, myosin storage, autosomal recessive (CMYO7B). Also called: CONGENITAL MYOPATHY 7B, MYOSIN STORAGE, AUTOSOMAL RECESSIVE. Identifiers: Orphanet 636970, MedGen C1850709, MONDO:0009708, OMIM 255160.
Dilated cardiomyopathy 1S (CMD1S). Identifiers: Orphanet 154, Orphanet 54260, MedGen C1834481, MONDO:0013262, OMIM 613426.
MYH7-related skeletal myopathy. Also called: Laing distal myopathy; Laing early-onset distal myopathy; MYOPATHY, DISTAL, EARLY-ONSET, AUTOSOMAL DOMINANT; MYOPATHY, LATE DISTAL HEREDITARY; Myopathy, distal, 1. Identifiers: Orphanet 59135, MedGen C4552004, MONDO:0008050, OMIM 160500.
Hypertrophic cardiomyopathy 1 (CMH1). Also called: Familial hypertrophic cardiomyopathy 1; MYH7-Related Familial Hypertrophic Cardiomyopathy. Identifiers: MedGen C3495498, MONDO:0008647, OMIM 192600.
Myosin storage myopathy (CMYO7A). Also called: SCAPULOPERONEAL MUSCULAR DYSTROPHY; SCAPULOPERONEAL SYNDROME, MYOPATHIC TYPE; MYOPATHY, HYALINE BODY, AUTOSOMAL DOMINANT; Scapuloperoneal myopathy, MYH7-related; MYH7-related late-onset scapuloperoneal muscular dystrophy; Congenital myopathy 7A, myosin storage, autosomal dominant. Identifiers: Orphanet 437572, Orphanet 636965, MedGen C1842160, MONDO:0008409, OMIM 608358.
Cardiomyopathy (CMYO). Also called: Cardiomyopathies. Identifiers: Orphanet 167848, MedGen C0878544, MONDO:0004994, HP:0001638. Inheritance: Various modes of inheritance.
Hypertrophic cardiomyopathy. Also called: HYPERTROPHIC MYOCARDIOPATHY. Identifiers: Orphanet 217569, MedGen C0007194, MeSH D002312, MONDO:0005045, HP:0001639.

Allele frequency attached by ClinVar (database versions not stated): gnomAD exomes 0.00001 and 0.00003; ExAC 0.00003; gnomAD 0.00005 and 0.00006; TOPMed 0.00005.

Submissions 1 to 8 of 22:

ClinGen Cardiomyopathy Variant Curation Expert Panel
Classification: Uncertain significance for Hypertrophic cardiomyopathy. Last evaluated: 2016-12-15. Review status: reviewed by expert panel. Criteria: ClinGen CMP ACMG Specifications v1. Collection method: curation. Allele origin: germline. Inheritance: Autosomal dominant inheritance.
Comment: The c.5326A>G (p.Ser1776Gly) variant in MYH7 has been reported in 12 individuals with hypertrophic cardiomyopathy (PMID:27532257; PMID:11861413; PMID:21239446; Partners LMM ClinVar SCV000203861.4; SHaRe consortium, PMID: 30297972) but has also been identified in 0.02% (2/8654) of East Asian chromosomes by ExAC. Since the MYH7 specifications state that PS4 is only applicable if the variant is absent or rare in large population studies, PS4 criterion was not applied (PMID:29300372). Computational prediction tools and conservation analysis suggest that this variant may impact the protein (PP3). In summary, this variant meets criteria to be classified as uncertain significance for hypertrophic cardiomyopathy in an autosomal dominant manner. MYH7-specific ACMG/AMP criteria applied (PMID:29300372): PP3

PreventionGenetics, part of Exact Sciences
Classification: Uncertain significance for MYH7-related condition. Last evaluated: 2026-06-29. Review status: criteria provided, single submitter. Criteria: ACMG Guidelines, 2015. Collection method: clinical testing. Allele origin: germline. Not counted in ClinVar's aggregate classification.
Comment: The MYH7 c.5326A>G variant is predicted to result in the amino acid substitution p.Ser1776Gly. This variant has been reported in several individuals with hypertrophic cardiomyopathy (HCM) (Blair et al. 2002. PubMed ID: 11861413; Table S4, Kelly et al. 2018. PubMed ID: 29300372; Table S1B, Walsh et al. 2016. PubMed ID: 27532257). It has been reported to segregate with HCM in a family (Blair et al. 2002. PubMed ID: 11861413). This variant has also been found in control individuals in large cohort studies looking at gene burden and penetrance (Dataset S1, Homburger et al. 2016. PubMed ID: 27247418; Table S6, Park et al. 2022. PubMed ID: 34542152). In vitro experimental studies show this variant does not impact cMyBP-C-myosin binding (Flashman et al. 2007. PubMed ID: 16918501); however, protein modeling studies indicate this variant likely affects the coiled-coil structure and filament assembly (Blair et al. 2002. PubMed ID: 11861413). This variant is reported in 0.030% of alleles in individuals of East Asian descent in gnomAD and is interpreted as uncertain by the ClinGen Cardiomyopathy Variant Curation Expert Panel in ClinVar (Variation ID: 177629). At this time, the clinical significance of this variant is uncertain due to the absence of conclusive functional and genetic evidence.

Molecular Diagnostic Laboratory for Inherited Cardiovascular Disease, Montreal Heart Institute
Classification: Uncertain significance for Cardiovascular phenotype. Last evaluated: 2026-03-27. Review status: criteria provided, single submitter. Criteria: ACMG Guidelines, 2015. Collection method: clinical testing. Allele origin: germline. Affected: yes. Not counted in ClinVar's aggregate classification.
Comment: PS4_supp, BS3_supp

GeneDx
Classification: Uncertain significance. Last evaluated: 2026-01-26. Review status: criteria provided, single submitter. Criteria: GeneDx Variant Classification Process June 2021. Collection method: clinical testing. Allele origin: germline. Affected: yes. Not counted in ClinVar's aggregate classification.
Comment: In silico analysis suggests that this missense variant does not alter protein structure/function; This variant is associated with the following publications: (PMID: 16918501, 29300372, 21239446, 11861410, 25961035, 27247418, 23074333, 27532257, 24510615, 29121657, 28518168, 30297972, 31493341, 32420109, 30847666, 34542152, 34136434, 34137518, 11861413, 37652022, 38456273)

Labcorp Genetics (formerly Invitae), Labcorp
Classification: Uncertain significance for Hypertrophic cardiomyopathy. Last evaluated: 2026-01-09. Review status: criteria provided, single submitter. Criteria: Invitae Variant Classification Sherloc (09022015). Collection method: clinical testing. Allele origin: germline. Not counted in ClinVar's aggregate classification.
Comment: This sequence change replaces serine, which is neutral and polar, with glycine, which is neutral and non-polar, at codon 1776 of the MYH7 protein (p.Ser1776Gly). This variant is present in population databases (rs369437262, gnomAD 0.03%). This missense change has been observed in individual(s) with hypertrophic cardiomyopathy (PMID: 11861413, 27247418, 27532257, 28518168, 29121657, 37652022). ClinVar contains an entry for this variant (Variation ID: 177629). Invitae Evidence Modeling of protein sequence and biophysical properties (such as structural, functional, and spatial information, amino acid conservation, physicochemical variation, residue mobility, and thermodynamic stability) indicates that this missense variant is expected to disrupt MYH7 protein function with a positive predictive value of 95%. Experimental studies have shown that this missense change does not substantially affect MYH7 function (PMID: 16918501). In summary, the available evidence is currently insufficient to determine the role of this variant in disease. Therefore, it has been classified as a Variant of Uncertain Significance.

CeGaT Center for Human Genetics Tuebingen
Classification: Uncertain significance. Last evaluated: 2025-11-01. Review status: criteria provided, single submitter. Criteria: CeGaT Center For Human Genetics Tuebingen Variant Classification Criteria Version 2. Collection method: clinical testing. Allele origin: germline. Affected: yes. Observed: 1 variant allele. Not counted in ClinVar's aggregate classification.
Comment: MYH7: PM2:Supporting

Revvity Omics, Revvity
Classification: Uncertain significance. Last evaluated: 2025-03-27. Review status: criteria provided, single submitter. Criteria: ACMG Guidelines, 2015. Collection method: clinical testing. Allele origin: germline. Not counted in ClinVar's aggregate classification.

Ambry Genetics
Classification: Uncertain significance for Cardiovascular phenotype. Last evaluated: 2025-03-21. Review status: criteria provided, single submitter. Criteria: Ambry Variant Classification Scheme 2023. Collection method: clinical testing. Allele origin: germline. Not counted in ClinVar's aggregate classification.
Comment: The p.S1776G variant (also known as c.5326A>G), located in coding exon 35 of the MYH7 gene, results from an A to G substitution at nucleotide position 5326. The serine at codon 1776 is replaced by glycine, an amino acid with similar properties. This variant was identified in one or more individuals with features consistent with hypertrophic cardiomyopathy (Fokstuen S et al. J Med Genet. 2011;48(8):572-6; Homburger JR et al. Proc Natl Acad Sci U.S.A. 2016 06;113(24):6701-6; Viswanathan SK et al. PLoS ONE. 2017;12(11):e0187948; Walsh R et al. Genet Med. 2017 02;19(2):192-203; external communication; Ambry internal data) and segregated with disease in at least one family (Blair E et al. Circ Res. 2002;90(3):263-9). One in vitro functional study indicated this variant did not disrupt binding to myosin binding protein C, but may affect thick filament structure and stability; however, the physiological relevance of this finding is unclear (Flashman E et al. Biochem J. 2007;401(1):97-102). This amino acid position is highly conserved in available vertebrate species. In addition, this alteration is predicted to be deleterious by in silico analysis. Based on the available evidence, the clinical significance of this variant remains unclear.